The following is an entry in ClinVar:

NM_000875.5(IGF1R):c.2894G>A (p.Ser965Asn)

Gene: IGF1R (insulin like growth factor 1 receptor; plus strand). Cytogenetic location: 15q26.3.
Variant type: single nucleotide variant.
Coding change: c.2894G>A on transcript NM_000875.5 (MANE Select); coding-DNA position 2894, G replaced by A.
Protein change: p.Ser965Asn; replaces serine 965 with asparagine.
Molecular consequence: missense variant.
Genome position (GRCh38, 1-based): chr15:98,930,243, G>A. VCF-style: chr15-98930243-G-A. GRCh37 (hg19) VCF-style: chr15-99473472-G-A.
Other names: c.2891G>A, p.Ser964Asn (NM_001291858.2); short protein forms S965N, S964N.
Identifiers: ClinVar variation 731844 (VCV000731844.13), dbSNP rs45493995, ClinGen allele CA7752565.
Genomic context (GRCh38, chr15:98,930,243, plus strand): 5'-AGGAATGTATGGAGGTGGGGTTTTGTTAACGTGAATTTAATCTTTTTGACAGAAATAACA[G>A]CAGGCTGGGGAATGGAGTGCTGTATGCCTCTGTGAACCCGGAGTACTTCAGCGCTGCTGA-3'
Protein context (NP_000866.1, residues 955-975): LYVFHRKRNN[Ser965Asn]RLGNGVLYAS

ClinVar aggregate classification (germline): Conflicting classifications of pathogenicity. Review status: criteria provided, conflicting classifications (1 of 4 stars). 3 submissions from 3 submitters: Uncertain significance (2); Likely benign (1). Last evaluated 2025-03-31.

Conditions:
Growth delay due to insulin-like growth factor I resistance. Also called: Insulin-Like Growth Factor I Resistance; IGF-I RESISTANCE; Somatomedin end-organ insensitivity to; Somatomedin-c resistance to; IGF-1 resistance. Identifiers: Orphanet 73273, MedGen C1849157, MONDO:0010038, OMIM 270450.

Allele frequency attached by ClinVar (database versions not stated): gnomAD exomes 0.00002 and 0.00012; gnomAD 0.00003 and 0.00004; TOPMed 0.00006; ExAC 0.00014; 1000 Genomes Project 30x 0.00016; 1000 Genomes Project 0.00020.
gnomAD v4.1: 34 of 1,612,882 alleles (0.0021%); highest among the groups gnomAD compares: East Asian, 0.069%; no homozygotes.

Submissions (3):

Labcorp Genetics (formerly Invitae), Labcorp
Classification: Likely benign. Last evaluated: 2025-03-31. Review status: criteria provided, single submitter. Criteria: Invitae Variant Classification Sherloc (09022015). Collection method: clinical testing. Allele origin: germline.

Women's Health and Genetics/Laboratory Corporation of America, LabCorp
Classification: Uncertain significance. Last evaluated: 2024-02-15. Review status: criteria provided, single submitter. Criteria: LabCorp Variant Classification Summary - May 2015. Collection method: clinical testing. Allele origin: germline.
Comment: Variant summary: IGF1R c.2894G>A (p.Ser965Asn) results in a conservative amino acid change in the encoded protein sequence. Four of four in-silico tools predict a benign effect of the variant on protein function. The variant allele was found at a frequency of 0.00012 in 250604 control chromosomes (gnomAD). c.2894G>A has been reported in the literature in one individual affected with neurodevelopmental disorders, microcephaly as one of the features (Wang_2023). The report does not provide unequivocal conclusions about association of the variant with Growth Delay Due To Insulin-Like Growth Factor I Resistance. To our knowledge, no experimental evidence demonstrating an impact on protein function has been reported. The following publication have been ascertained in the context of this evaluation (PMID: 37501076). ClinVar contains an entry for this variant (Variation ID: 731844). Based on the evidence outlined above, the variant was classified as uncertain significance.

Illumina Laboratory Services, Illumina
Classification: Uncertain significance for Growth delay due to insulin-like growth factor I resistance. Last evaluated: 2017-04-28. Review status: criteria provided, single submitter. Criteria: ICSL Variant Classification Criteria 13 December 2019. Collection method: clinical testing. Allele origin: germline.

Literature cited by the submitters: PubMed 37501076 (cited by Women's Health and Genetics/Laboratory Corporation of America, LabCorp).